The following is an entry in ClinVar:

NM_004991.4(MECOM):c.2068C>T (p.Pro690Ser)

Gene: MECOM (MDS1 and EVI1 complex locus; minus strand). Cytogenetic location: 3q26.2.
Variant type: single nucleotide variant.
Coding change: c.2068C>T on transcript NM_004991.4 (MANE Select); coding-DNA position 2068, C replaced by T.
Protein change: p.Pro690Ser; replaces proline 690 with serine.
Molecular consequence: missense variant. On other transcripts: intron variant (2).
Genome position (GRCh38, 1-based): chr3:169,115,804, G>A on the plus strand (C>T on the coding strand, the complement: MECOM is on the minus strand). VCF-style: chr3-169115804-G-A. GRCh37 (hg19) VCF-style: chr3-168833592-G-A.
Other names: c.1699C>T, p.Pro567Ser (NM_001105077.4); c.1504C>T, p.Pro502Ser (NM_001105078.4, NM_001164000.2, NM_001205194.2 and 4 more transcripts); c.1507C>T, p.Pro503Ser (NM_001163999.2, NM_001366467.2, NM_001366468.2 and 1 more transcripts); c.2068C>T, p.Pro690Ser (NM_001366466.2); c.1133-37C>T (NM_001366473.2); c.569-37C>T (NM_001366474.2); short protein forms P567S, P502S, P690S, P503S.
Identifiers: ClinVar variation 4053319 (VCV004053319.1).

ClinVar aggregate classification (germline): Uncertain significance (1 of 4 stars; one submission).

Conditions:
Inborn genetic diseases. Identifiers: MedGen C0950123, MeSH D030342.

Submission:

Ambry Genetics
Classification: Uncertain significance for Inborn genetic diseases. Last evaluated: 2025-06-06. Review status: criteria provided, single submitter. Criteria: Ambry Variant Classification Scheme 2023. Collection method: clinical testing. Allele origin: germline.
Comment: The p.P690S variant (also known as c.2068C>T), located in coding exon 8 of the MECOM gene, results from a C to T substitution at nucleotide position 2068. The proline at codon 690 is replaced by serine, an amino acid with similar properties. This amino acid position is conserved. In addition, the in silico prediction for this alteration is inconclusive. Based on the available evidence, the clinical significance of this variant remains unclear.